The following is an entry in ClinVar:

ClinVar aggregate classification (germline): Uncertain significance. Review status: criteria provided, multiple submitters, no conflicts (2 of 4 stars). 2 submissions from 2 submitters: Uncertain significance (2). Last evaluated 2025-08-09.

Conditions:
PKHD1L1-related disorder. Also called: PKHD1L1-related condition.

Allele frequency attached by ClinVar (database versions not stated): gnomAD exomes 0.00002; ESP Exome Variant Server 0.00008; ExAC 0.00009; gnomAD 0.00009; TOPMed 0.00011.
gnomAD v4.1: 93 of 1,613,782 alleles (0.0058%); highest among the groups gnomAD compares: East Asian, 0.078%; no homozygotes.

Submissions (2):

Ambry Genetics
Classification: Uncertain significance. Last evaluated: 2025-08-09. Review status: criteria provided, single submitter. Criteria: Ambry Variant Classification Scheme 2023. Collection method: clinical testing. Allele origin: germline.

PreventionGenetics, part of Exact Sciences
Classification: Uncertain significance for PKHD1L1-related condition. Last evaluated: 2025-02-05. Review status: criteria provided, single submitter. Criteria: ACMG Guidelines, 2015. Collection method: clinical testing. Allele origin: germline.
Comment: The PKHD1L1 c.5463G>C variant is predicted to result in the amino acid substitution p.Leu1821Phe. To our knowledge, this variant has not been reported in the literature. This variant is reported in 0.10% of alleles in individuals of East Asian descent in gnomAD. Although we suspect that this variant may be benign, at this time, the clinical significance of this variant is uncertain due to the absence of conclusive functional and genetic evidence.

NM_177531.6(PKHD1L1):c.5463G>C (p.Leu1821Phe)

Gene: PKHD1L1 (PKHD1 like 1; plus strand). Cytogenetic location: 8q23.1.
Variant type: single nucleotide variant.
Coding change: c.5463G>C on transcript NM_177531.6 (MANE Select); coding-DNA position 5463, G replaced by C.
Protein change: p.Leu1821Phe; replaces leucine 1821 with phenylalanine.
Molecular consequence: missense variant.
Genome position (GRCh38, 1-based): chr8:109,445,332, G>C. VCF-style: chr8-109445332-G-C. GRCh37 (hg19) VCF-style: chr8-110457561-G-C.
Other names: short protein forms L1821F.
Identifiers: ClinVar variation 2592604 (VCV002592604.4), dbSNP rs372883862, ClinGen allele CA4845245.